The following is an entry in ClinVar:

ClinVar aggregate classification (germline): Uncertain significance (1 of 4 stars; one submission).

Conditions:
Immunodeficiency 104. Also called: SCID, AUTOSOMAL RECESSIVE, T CELL-NEGATIVE, B CELL-POSITIVE, NK CELL-POSITIVE; Severe Combined Immune Deficiency, Autosomal Recessive, TCell -Negative, B Cell-Positive, NK Cell-Positive, IL7R-Related; IMMUNODEFICIENCY 104, SEVERE COMBINED; Severe combined immunodeficiency, autosomal recessive, T cell-negative, B cell-positive, NK cell-positive. Identifiers: MedGen C5676890, MONDO:0012163, OMIM 608971.

Allele frequency attached by ClinVar (database versions not stated): gnomAD 0.00001; gnomAD exomes 0.00001; TOPMed 0.00001.
gnomAD v4.1: 13 of 1,614,038 alleles (0.00081%); highest among the groups gnomAD compares: Non-Finnish European, 0.001%; no homozygotes.

Submission:

Labcorp Genetics (formerly Invitae), Labcorp
Classification: Uncertain significance for Immunodeficiency 104. Last evaluated: 2021-12-04. Review status: criteria provided, single submitter. Criteria: Invitae Variant Classification Sherloc (09022015). Collection method: clinical testing. Allele origin: germline.
Comment: This sequence change replaces serine, which is neutral and polar, with glycine, which is neutral and non-polar, at codon 171 of the PTPRC protein (p.Ser171Gly). This variant is present in population databases (no rsID available, gnomAD 0.002%). This variant has not been reported in the literature in individuals affected with PTPRC-related conditions. Algorithms developed to predict the effect of missense changes on protein structure and function (SIFT, PolyPhen-2, Align-GVGD) all suggest that this variant is likely to be tolerated. In summary, the available evidence is currently insufficient to determine the role of this variant in disease. Therefore, it has been classified as a Variant of Uncertain Significance.

NM_002838.5(PTPRC):c.511A>G (p.Ser171Gly)

Gene: PTPRC (protein tyrosine phosphatase receptor type C; plus strand). Cytogenetic location: 1q32.1.
Variant type: single nucleotide variant.
Coding change: c.511A>G on transcript NM_002838.5 (MANE Select); coding-DNA position 511, A replaced by G.
Protein change: p.Ser171Gly; replaces serine 171 with glycine.
Molecular consequence: missense variant. On other transcripts: intron variant (1).
Genome position (GRCh38, 1-based): chr1:198,702,458, A>G. VCF-style: chr1-198702458-A-G. GRCh37 (hg19) VCF-style: chr1-198671587-A-G.
Other names: c.101-840A>G (NM_080921.4); short protein forms S171G.
Identifiers: ClinVar variation 1376894 (VCV001376894.3), dbSNP rs945167747, ClinGen allele CA36182881.